The following is an entry in ClinVar:

ClinVar aggregate classification (germline): Benign/Likely benign. Review status: criteria provided, multiple submitters, no conflicts (2 of 4 stars). 6 submissions from 6 submitters: Benign (3); Likely benign (2). 1 of the submissions does not count toward it. Last evaluated 2026-08-01.

Conditions:
DNAH9-related disorder. Also called: DNAH9-related condition.
Ciliary dyskinesia, primary, 40. Also called: CILIARY DYSKINESIA, PRIMARY, 40, WITH OR WITHOUT SITUS INVERSUS. Identifiers: MedGen C4749028, MONDO:0032664, OMIM 618300.

Allele frequency attached by ClinVar (database versions not stated): TOPMed 0.00206; ESP Exome Variant Server 0.00208; gnomAD 0.00267 and 0.00298; 1000 Genomes Project 30x 0.00328; gnomAD exomes 0.00355 and 0.00483; 1000 Genomes Project 0.00399; ExAC 0.00454.
gnomAD v4.1: 5,671 of 1,613,514 alleles (0.35%); highest among the groups gnomAD compares: South Asian, 1.4%; 33 homozygotes.

Submissions (6):

CeGaT Center for Human Genetics Tuebingen
Classification: Benign. Last evaluated: 2026-08-01. Review status: criteria provided, single submitter. Criteria: CeGaT Center For Human Genetics Tuebingen Variant Classification Criteria Version 2. Collection method: clinical testing. Allele origin: germline. Affected: yes. Observed: 4 variant alleles.
Comment: DNAH9: BP4, BS1, BS2

Labcorp Genetics (formerly Invitae), Labcorp
Classification: Benign. Last evaluated: 2026-02-01. Review status: criteria provided, single submitter. Criteria: Invitae Variant Classification Sherloc (09022015). Collection method: clinical testing. Allele origin: germline.

Mayo Clinic Laboratories, Mayo Clinic
Classification: Likely benign. Last evaluated: 2025-06-13. Review status: criteria provided, single submitter. Criteria: ACMG Guidelines, 2015. Collection method: clinical testing. Allele origin: germline. Observed: 2 variant alleles.
Comment: BS1, BP4, BP7

Fulgent Genetics
Classification: Likely benign for Ciliary dyskinesia, primary, 40. Last evaluated: 2022-01-12. Review status: criteria provided, single submitter. Criteria: ACMG Guidelines, 2015. Collection method: clinical testing. Allele origin: unknown.

Breakthrough Genomics
Classification: Benign. Review status: criteria provided, single submitter. Criteria: ACMG Guidelines, 2015. Collection method: not provided. Allele origin: germline. Inheritance: Autosomal recessive inheritance. Affected: yes.

PreventionGenetics, part of Exact Sciences
Classification: Benign for DNAH9-related condition. Last evaluated: 2019-06-26. Review status: no assertion criteria provided. Collection method: clinical testing. Allele origin: germline. Not counted in ClinVar's aggregate classification.
Comment: This variant is classified as benign based on ACMG/AMP sequence variant interpretation guidelines (Richards et al. 2015 PMID: 25741868, with internal and published modifications).

NM_001372.4(DNAH9):c.6810C>T (p.His2270=)

Gene: DNAH9 (dynein axonemal heavy chain 9; plus strand). Cytogenetic location: 17p12.
Variant type: single nucleotide variant.
Coding change: c.6810C>T on transcript NM_001372.4 (MANE Select); coding-DNA position 6810, C replaced by T.
Protein change: p.His2270=; no amino-acid change (histidine 2270 retained).
Molecular consequence: synonymous variant.
Genome position (GRCh38, 1-based): chr17:11,756,639, C>T. VCF-style: chr17-11756639-C-T. GRCh37 (hg19) VCF-style: chr17-11659956-C-T.
Other names: p.His2270=; c.6810C>T (NM_001372.3).
Identifiers: ClinVar variation 1582076 (VCV001582076.30), dbSNP rs61732585, ClinGen allele CA8396416.